The following is an entry in ClinVar:

ClinVar aggregate classification (germline): Uncertain significance (1 of 4 stars; one submission).

Conditions:
46,XY sex reversal 7. Also called: 46,XY GONADAL DYSGENESIS, PARTIAL OR COMPLETE, DHH-RELATED; DHH-Related 46,XY complete gonadal dysgenesis; GONADAL DYSGENESIS, XY, MALE-LIMITED; 46,XY SEX REVERSAL, PARTIAL OR COMPLETE, DHH-RELATED. Identifiers: Orphanet 242, MedGen C1856273, MONDO:0009301, OMIM 233420.

Allele frequency attached by ClinVar (database versions not stated): gnomAD exomes below 0.00001.

Submission:

Victorian Clinical Genetics Services, Murdoch Childrens Research Institute
Classification: Uncertain significance for 46,XY sex reversal 7. Last evaluated: 2021-05-06. Review status: criteria provided, single submitter. Criteria: ACMG Guidelines, 2015. Collection method: clinical testing. Allele origin: germline. Inheritance: Autosomal recessive inheritance. Affected: yes.
Comment: Based on the classification scheme VCGS_Germline_v1.3.4, this variant is classified as VUS-3A. Following criteria are met: 0102 - Loss of function is a known mechanism of disease in this gene and is associated with 46XY gonadal dysgenesis with minifascicular neuropathy (MIM#607080) and 46XY sex reversal 7 (MIM#233420). (I) 0106 - This gene is associated with autosomal recessive disease. (I) 0200 - Variant is predicted to result in a missense amino acid change from arginine to proline. (I) 0252 - This variant is homozygous. (I) 0301 - Variant is absent from gnomAD (both v2 and v3). (SP) 0501 - Missense variant consistently predicted to be damaging by multiple in silico tools and highly conserved with a major amino acid change. (SP) 0600 - Variant is located in the annotated Hedgehog amino-terminal signalling domain (NCBI conserved domain). (I) 0705 - No comparable missense variants have previous evidence for pathogenicity. (I) 0807 - This variant has no previous evidence of pathogenicity. (I) 0905 - No published segregation evidence has been identified for this variant. (I) 1007 - No published functional evidence has been identified for this variant. (I) 1208 - Inheritance information for this variant is not currently available in this individual. (I) Legend: (SP) - Supporting pathogenic, (I) - Information, (SB) - Supporting benign

NM_021044.4(DHH):c.434G>C (p.Arg145Pro)

Gene: DHH (desert hedgehog signaling molecule; minus strand). Cytogenetic location: 12q13.12.
Variant type: single nucleotide variant.
Coding change: c.434G>C on transcript NM_021044.4 (MANE Select); coding-DNA position 434, G replaced by C.
Protein change: p.Arg145Pro; replaces arginine 145 with proline.
Molecular consequence: missense variant.
Genome position (GRCh38, 1-based): chr12:49,091,259, C>G on the plus strand (G>C on the coding strand, the complement: DHH is on the minus strand). VCF-style: chr12-49091259-C-G. GRCh37 (hg19) VCF-style: chr12-49485042-C-G.
Other names: short protein forms R145P.
Identifiers: ClinVar variation 1804932 (VCV001804932.1), dbSNP rs2498536488, ClinGen allele CA384722220.